The following is an entry in ClinVar:

NM_006907.4(PYCR1):c.258T>G (p.Ile86Met)

Gene: PYCR1 (pyrroline-5-carboxylate reductase 1; minus strand). Cytogenetic location: 17q25.3.
Variant type: single nucleotide variant.
Coding change: c.258T>G on transcript NM_006907.4 (MANE Select); coding-DNA position 258, T replaced by G.
Protein change: p.Ile86Met; replaces isoleucine 86 with methionine.
Molecular consequence: missense variant.
Genome position (GRCh38, 1-based): chr17:81,935,397, A>C on the plus strand (T>G on the coding strand, the complement: PYCR1 is on the minus strand). VCF-style: chr17-81935397-A-C. GRCh37 (hg19) VCF-style: chr17-79893273-A-C.
Other names: c.258T>G (NM_006907.2); c.258T>G, p.Ile86Met (NM_001282279.2, NM_001282280.2, NM_001330523.2 and 1 more transcripts); c.339T>G, p.Ile113Met (NM_001282281.2); short protein forms I113M, I86M.
Identifiers: ClinVar variation 2081995 (VCV002081995.5), dbSNP rs1011629889, ClinGen allele CA401539664.

ClinVar aggregate classification (germline): Uncertain significance. Review status: criteria provided, multiple submitters, no conflicts (2 of 4 stars). 2 submissions from 2 submitters: Uncertain significance (2). Last evaluated 2024-11-10.

Conditions:
Inborn genetic diseases. Identifiers: MedGen C0950123, MeSH D030342.

gnomAD v4.1: 2 of 1,613,632 alleles (0.00012%); highest among the groups gnomAD compares: East Asian, 0.0045%; no homozygotes.

Submissions (2):

Ambry Genetics
Classification: Uncertain significance for Inborn genetic diseases. Last evaluated: 2024-11-10. Review status: criteria provided, single submitter. Criteria: Ambry Variant Classification Scheme 2023. Collection method: clinical testing. Allele origin: germline.

Labcorp Genetics (formerly Invitae), Labcorp
Classification: Uncertain significance. Last evaluated: 2022-02-07. Review status: criteria provided, single submitter. Criteria: Invitae Variant Classification Sherloc (09022015). Collection method: clinical testing. Allele origin: germline.
Comment: Algorithms developed to predict the effect of missense changes on protein structure and function are either unavailable or do not agree on the potential impact of this missense change (SIFT: "Deleterious"; PolyPhen-2: "Benign"; Align-GVGD: "Class C0"). This sequence change replaces isoleucine, which is neutral and non-polar, with methionine, which is neutral and non-polar, at codon 86 of the PYCR1 protein (p.Ile86Met). This variant is present in population databases (no rsID available, gnomAD 0.01%). This variant has not been reported in the literature in individuals affected with PYCR1-related conditions. In summary, the available evidence is currently insufficient to determine the role of this variant in disease. Therefore, it has been classified as a Variant of Uncertain Significance.